The following is an entry in ClinVar:

NM_144973.4(DENND5B):c.810C>G (p.Pro270=)

Gene: DENND5B (DENN domain containing 5B; minus strand). Cytogenetic location: 12p11.21.
Variant type: single nucleotide variant.
Coding change: c.810C>G on transcript NM_144973.4 (MANE Select); coding-DNA position 810, C replaced by G.
Protein change: p.Pro270=; no amino-acid change (proline 270 retained).
Molecular consequence: synonymous variant. On other transcripts: intron variant (1).
Genome position (GRCh38, 1-based): chr12:31,479,683, G>C on the plus strand (C>G on the coding strand, the complement: DENND5B is on the minus strand). VCF-style: chr12-31479683-G-C. GRCh37 (hg19) VCF-style: chr12-31632617-G-C.
Other names: c.915C>G, p.Pro305= (NM_001308339.2); c.876C>G, p.Pro292= (NM_001366890.1, NM_001366893.1); c.810C>G, p.Pro270= (NM_001366892.1); c.373+437C>G (NM_001366891.1).
Identifiers: ClinVar variation 4872025 (VCV004872025.2).
Genomic context (GRCh38, chr12:31,479,683, plus strand): 5'-AACACAGGTAAACACCTGCACCAGGTTCTCTAATCCCAGGAGCTCAAATGCCTCCCGAAG[G>C]GGGTAATCAGAGAGGGGGAGTTCACTGGGCCCAGGCCTCTGGCAGATGACAGGTTCATAA-3'
Protein context (NP_659410.3, residues 260-280): GPSELPLSDY[Pro270=]LREAFELLGL

ClinVar aggregate classification (germline): Likely benign (1 of 4 stars; one submission).

gnomAD v4.1: 759 of 1,591,190 alleles (0.048%); highest among the groups gnomAD compares: South Asian, 0.32%; 9 homozygotes.

Submission:

CeGaT Center for Human Genetics Tuebingen
Classification: Likely benign. Last evaluated: 2026-06-01. Review status: criteria provided, single submitter. Criteria: CeGaT Center For Human Genetics Tuebingen Variant Classification Criteria Version 2. Collection method: clinical testing. Allele origin: germline. Affected: yes. Observed: 1 variant allele.
Comment: DENND5B: BP4, BP7, BS1